The following is an entry in ClinVar:

ClinVar aggregate classification (germline): Uncertain significance. Review status: criteria provided, multiple submitters, no conflicts (2 of 4 stars). 2 submissions from 2 submitters: Uncertain significance (2). Last evaluated 2026-03-12.

Conditions:
Inborn genetic diseases. Identifiers: MedGen C0950123, MeSH D030342.
Malignant hyperthermia, susceptibility to, 1 (MHS1). Also called: Anesthesia related hyperthermia; Malignant hyperpyrexia; Fulminating hyperpyrexia; Pharmacogenic myopathy; RYR1-Related Malignant Hyperthermia Susceptibility; Malignant hyperthermia suceptibility 1. Identifiers: Orphanet 423, MedGen C2930980, MONDO:0007783, OMIM 145600.

gnomAD v4.1: 1 of 1,614,234 alleles (0.000062%); no homozygotes.

Submissions (2):

Ambry Genetics
Classification: Uncertain significance for Inborn genetic diseases. Last evaluated: 2026-03-12. Review status: criteria provided, single submitter. Criteria: Ambry Variant Classification Scheme 2023. Collection method: clinical testing. Allele origin: germline.

All of Us Research Program, National Institutes of Health
Classification: Uncertain significance for Malignant hyperthermia, susceptibility to, 1. Last evaluated: 2024-08-06. Review status: criteria provided, single submitter. Criteria: ACMG Guidelines, 2015. Collection method: clinical testing. Allele origin: germline. Inheritance: Autosomal dominant inheritance. Observed: 1 variant allele, 1 heterozygote.
Comment: This study involves interpretation of variants in research participants for the purpose of population health screening. Participant phenotype was not available at the time of variant classification. Additional details can be found in publication PMID: 35346344, PMCID: PMC8962531

NM_000540.3(RYR1):c.2475C>G (p.Ile825Met)

Gene: RYR1 (ryanodine receptor 1; plus strand). Cytogenetic location: 19q13.2.
Variant type: single nucleotide variant.
Coding change: c.2475C>G on transcript NM_000540.3 (MANE Select); coding-DNA position 2475, C replaced by G.
Protein change: p.Ile825Met; replaces isoleucine 825 with methionine.
Molecular consequence: missense variant.
Genome position (GRCh38, 1-based): chr19:38,460,489, C>G. VCF-style: chr19-38460489-C-G. GRCh37 (hg19) VCF-style: chr19-38951129-C-G.
Other names: c.2475C>G, p.Ile825Met (NM_001042723.2); short protein forms I825M.
Identifiers: ClinVar variation 3387667 (VCV003387667.2).